The following is an entry in ClinVar:

NM_007194.4(CHEK2):c.909-5T>C

Gene: CHEK2 (checkpoint kinase 2; minus strand). Cytogenetic location: 22q12.1.
Variant type: single nucleotide variant.
Coding change: c.909-5T>C on transcript NM_007194.4 (MANE Select); 5 bases into the intron before coding-DNA position 909, T replaced by C.
Molecular consequence: intron variant.
Genome position (GRCh38, 1-based): chr22:28,699,942, A>G on the plus strand (T>C on the coding strand, the complement: CHEK2 is on the minus strand). VCF-style: chr22-28699942-A-G. GRCh37 (hg19) VCF-style: chr22-29095930-A-G.
Other names: c.246-5T>C (NM_001437942.1, NM_001257387.3); c.708-5T>C (NM_001349956.3); c.909-5T>C (NM_145862.3); c.1002-5T>C (NM_001438295.1, NM_001438293.1); c.1038-5T>C (NM_001438294.1, NM_001005735.3).
Identifiers: ClinVar variation 5034557 (VCV005034557.1).
Genomic context (GRCh38, chr22:28,699,942, plus strand): 5'-CTTCTTTCAGGCGTTTATTCCCCACCACTTTGTCAAACAGCTCTCCCCCTTCCATCCTGA[A>G]ACACAAAGGCAAGGCAAGGGGTTCATTCCTGGGGGAAAACGCACTTGGACAGAAGACAAT-3'

ClinVar aggregate classification (germline): Uncertain significance (1 of 4 stars; one submission).

Conditions:
Hereditary cancer-predisposing syndrome. Also called: Hereditary Cancer Syndrome; Neoplastic Syndromes, Hereditary; Tumor predisposition; Hereditary neoplastic syndrome. Identifiers: Orphanet 140162, MedGen C0027672, MeSH D009386, MONDO:0015356.

Submission:

Ambry Genetics
Classification: Uncertain significance for Hereditary cancer-predisposing syndrome. Last evaluated: 2026-07-23. Review status: criteria provided, single submitter. Criteria: Ambry Variant Classification Scheme 2023. Collection method: clinical testing. Allele origin: germline.
Comment: The c.909-5T>C intronic variant results from a T to C substitution 5 nucleotides upstream from coding exon 8 in the CHEK2 gene. This nucleotide position is highly conserved in available vertebrate species. In silico splice site analysis predicts that this alteration may weaken the native splice acceptor site and will result in the creation or strengthening of a novel splice acceptor site. Based on the available evidence, the clinical significance of this variant remains unclear.